The following is an entry in ClinVar:

NM_000368.5(TSC1):c.2223G>C (p.Lys741Asn)

Gene: TSC1 (TSC complex subunit 1; minus strand). Cytogenetic location: 9q34.13.
Variant type: single nucleotide variant.
Coding change: c.2223G>C on transcript NM_000368.5 (MANE Select); coding-DNA position 2223, G replaced by C.
Protein change: p.Lys741Asn; replaces lysine 741 with asparagine.
Molecular consequence: missense variant. On other transcripts: non-coding transcript variant (5).
Genome position (GRCh38, 1-based): chr9:132,902,773, C>G on the plus strand (G>C on the coding strand, the complement: TSC1 is on the minus strand). VCF-style: chr9-132902773-C-G. GRCh37 (hg19) VCF-style: chr9-135778160-C-G.
Other names: c.2223G>C, p.Lys741Asn (NM_001406596.1, NM_001406605.1, NM_001406592.1 and 5 more transcripts); c.2220G>C, p.Lys740Asn (NM_001406597.1, NM_001406598.1, NM_001406599.1 and 4 more transcripts); c.2208G>C, p.Lys736Asn (NM_001406601.1, NM_001406602.1); c.2205G>C, p.Lys735Asn (NM_001406603.1, NM_001406604.1); c.1860G>C, p.Lys620Asn (NM_001406615.1, NM_001406616.1, NM_001406617.1 and 5 more transcripts); c.1857G>C, p.Lys619Asn (NM_001406620.1, NM_001406621.1, NM_001406622.1 and 2 more transcripts); c.2070G>C, p.Lys690Asn (NM_001162427.2, NM_001406610.1); c.2067G>C, p.Lys689Asn (NM_001406611.1, NM_001406612.1, NM_001406613.1); and 3 more; short protein forms K390N, K423N, K424N, K619N, K620N, K689N, K690N, K735N.
Identifiers: ClinVar variation 4866049 (VCV004866049.1).

ClinVar aggregate classification (germline): Uncertain significance (1 of 4 stars; one submission).

Conditions:
Hereditary cancer-predisposing syndrome. Also called: Neoplastic Syndromes, Hereditary; Tumor predisposition; Hereditary Cancer Syndrome; Hereditary neoplastic syndrome. Identifiers: Orphanet 140162, MedGen C0027672, MeSH D009386, MONDO:0015356.

Submission:

Ambry Genetics
Classification: Uncertain significance for Hereditary cancer-predisposing syndrome. Last evaluated: 2026-06-14. Review status: criteria provided, single submitter. Criteria: Ambry Variant Classification Scheme 2023. Collection method: clinical testing. Allele origin: germline.
Comment: The p.K741N variant (also known as c.2223G>C), located in coding exon 16 of the TSC1 gene, results from a G to C substitution at nucleotide position 2223. The lysine at codon 741 is replaced by asparagine, an amino acid with similar properties. This amino acid position is conserved. In addition, this alteration is predicted to be tolerated by in silico analysis. Based on the available evidence, the clinical significance of this variant remains unclear.